The following is an entry in ClinVar:

NM_003119.4(SPG7):c.2128G>A (p.Ala710Thr)

Gene: SPG7 (SPG7 matrix AAA peptidase subunit, paraplegin; plus strand). Cytogenetic location: 16q24.3.
Variant type: single nucleotide variant.
Coding change: c.2128G>A on transcript NM_003119.4 (MANE Select); coding-DNA position 2128, G replaced by A.
Protein change: p.Ala710Thr; replaces alanine 710 with threonine.
Molecular consequence: missense variant.
Genome position (GRCh38, 1-based): chr16:89,554,510, G>A. VCF-style: chr16-89554510-G-A. GRCh37 (hg19) VCF-style: chr16-89620918-G-A.
Other names: c.2128G>A, p.Ala710Thr (NM_001363850.1); short protein forms A710T.
Identifiers: ClinVar variation 1060672 (VCV001060672.10), dbSNP rs2152412371, ClinGen allele CA397434647.

ClinVar aggregate classification (germline): Uncertain significance. Review status: criteria provided, multiple submitters, no conflicts (2 of 4 stars). 2 submissions from 2 submitters: Uncertain significance (2). Last evaluated 2025-11-18.

Conditions:
Hereditary spastic paraplegia 7 (SPG7). Also called: SPASTIC PARAPLEGIA 7, AUTOSOMAL RECESSIVE, WITH OR WITHOUT CEREBELLAR ATAXIA; Spastic paraplegia 7; Hereditary spastic paraplegia Paraplegin type; Autosomal recessive spastic paraplegia type 7; SPG7-related neurologic disorder. Identifiers: Orphanet 99013, MedGen C1846564, MONDO:0011803, OMIM 607259.

gnomAD v4.1: 1 of 1,609,502 alleles (0.000062%); highest among the groups gnomAD compares: Non-Finnish European, 0.000085%; no homozygotes.

Submissions (2):

Women's Health and Genetics/Laboratory Corporation of America, LabCorp
Classification: Uncertain significance. Last evaluated: 2025-11-18. Review status: criteria provided, single submitter. Criteria: LabCorp Variant Classification Summary - May 2015. Collection method: clinical testing. Allele origin: germline.
Comment: Variant summary: SPG7 c.2128G>A (p.Ala710Thr) results in a non-conservative amino acid change in the encoded protein sequence. Algorithms developed to predict the effect of missense changes on protein structure and function all suggest that this variant is likely to be disruptive. The variant was absent in 246106 control chromosomes. The available data on variant occurrences in the general population are insufficient to allow any conclusion about variant significance. To our knowledge, no occurrence of c.2128G>A in individuals affected with SPG7-related conditions and no experimental evidence demonstrating its impact on protein function have been reported. ClinVar contains an entry for this variant (Variation ID: 1060672). Based on the evidence outlined above, the variant was classified as uncertain significance.

Labcorp Genetics (formerly Invitae), Labcorp
Classification: Uncertain significance for Hereditary spastic paraplegia 7. Last evaluated: 2018-05-06. Review status: criteria provided, single submitter. Criteria: Invitae Variant Classification Sherloc (09022015). Collection method: clinical testing. Allele origin: germline.
Comment: In summary, the available evidence is currently insufficient to determine the role of this variant in disease. Therefore, it has been classified as a Variant of Uncertain Significance. Algorithms developed to predict the effect of missense changes on protein structure and function do not agree on the potential impact of this missense change (SIFT: "Deleterious"; PolyPhen-2: "Probably Damaging"; Align-GVGD: "Class C0"). This variant has not been reported in the literature in individuals with SPG7-related disease. This variant is not present in population databases (ExAC no frequency). This sequence change replaces alanine with threonine at codon 710 of the SPG7 protein (p.Ala710Thr). The alanine residue is highly conserved and there is a small physicochemical difference between alanine and threonine.